The following is an entry in ClinVar:

NM_006005.3(WFS1):c.293G>A (p.Gly98Glu)

Gene: WFS1 (wolframin ER transmembrane glycoprotein; plus strand). Cytogenetic location: 4p16.1.
Variant type: single nucleotide variant.
Coding change: c.293G>A on transcript NM_006005.3 (MANE Select); coding-DNA position 293, G replaced by A.
Protein change: p.Gly98Glu; replaces glycine 98 with glutamic acid.
Molecular consequence: missense variant.
Genome position (GRCh38, 1-based): chr4:6,287,153, G>A. VCF-style: chr4-6287153-G-A. GRCh37 (hg19) VCF-style: chr4-6288880-G-A.
Other names: c.293G>A, p.Gly98Glu (NM_001145853.1); short protein forms G98E.
Identifiers: ClinVar variation 4802683 (VCV004802683.1).
Genomic context (GRCh38, chr4:6,287,153, plus strand): 5'-GGCCTACAAAGGGAGACATGGAAATCCCCTTTGAAGAAGTCCTGGAGAGGGCCAAGGCCG[G>A]GGACCCCAAGGCACAGACTGAGGTGAGGACTGCGGTGCCGGCAGGGACTTCGGGACGCGG-3'
Protein context (NP_005996.2, residues 88-108): FEEVLERAKA[Gly98Glu]DPKAQTEVGK

ClinVar aggregate classification (germline): Uncertain significance (1 of 4 stars; one submission).

Submission:

Labcorp Genetics (formerly Invitae), Labcorp
Classification: Uncertain significance. Last evaluated: 2025-12-01. Review status: criteria provided, single submitter. Criteria: Invitae Variant Classification Sherloc (09022015). Collection method: clinical testing. Allele origin: germline.
Comment: This sequence change replaces glycine, which is neutral and non-polar, with glutamic acid, which is acidic and polar, at codon 98 of the WFS1 protein (p.Gly98Glu). This variant is not present in population databases (gnomAD no frequency). This variant has not been reported in the literature in individuals affected with WFS1-related conditions. Invitae Evidence Modeling of protein sequence and biophysical properties (such as structural, functional, and spatial information, amino acid conservation, physicochemical variation, residue mobility, and thermodynamic stability) indicates that this missense variant is not expected to disrupt WFS1 protein function with a negative predictive value of 80%. In summary, the available evidence is currently insufficient to determine the role of this variant in disease. Therefore, it has been classified as a Variant of Uncertain Significance.